The following is an entry in ClinVar:

NM_000274.4(OAT):c.1160-59C>T

Gene: OAT (ornithine aminotransferase; minus strand). Cytogenetic location: 10q26.13.
Variant type: single nucleotide variant.
Coding change: c.1160-59C>T on transcript NM_000274.4 (MANE Select); 59 bases into the intron before coding-DNA position 1160, C replaced by T.
Molecular consequence: intron variant.
Genome position (GRCh38, 1-based): chr10:124,398,161, G>A on the plus strand (C>T on the coding strand, the complement: OAT is on the minus strand). VCF-style: chr10-124398161-G-A. GRCh37 (hg19) VCF-style: chr10-126086730-G-A.
Other names: c.1160-59C>T (NM_001322965.2, NM_001322969.2, NM_001322966.2 and 3 more transcripts); c.746-59C>T (NM_001171814.2); c.560-59C>T (NM_001322974.2); c.839-59C>T (NM_001322971.2).
Identifiers: ClinVar variation 683257 (VCV000683257.5), dbSNP rs2459217, ClinGen allele CA13277269.
Genomic context (GRCh38, chr10:124,398,161, plus strand): 5'-ATCTAAAGAAAAATAGTAAAACGTACATGCTCAAAGATAAACGTTTAAACATCCCTTGCC[G>A]TATGTATGGGCAAAGTGCAGCCTGGCAAAACAAAATTAACAGAACTTGCTCAACTAAGGG-3'

ClinVar aggregate classification (germline): Benign. Review status: criteria provided, multiple submitters, no conflicts (2 of 4 stars). 3 submissions from 3 submitters: Benign (3). Last evaluated 2021-07-10.

Conditions:
Ornithine aminotransferase deficiency (GACR). Also called: Ornithine ketoacid aminotransferase deficiency; Gyrate atrophy; Gyrate atrophy of choroid and retina; Girate atrophy of the retina; HYPERORNITHINEMIA WITH GYRATE ATROPHY OF CHOROID AND RETINA; OAT DEFICIENCY. Identifiers: Orphanet 414, MedGen C0018425, MONDO:0009796, OMIM 258870.

Allele frequency attached by ClinVar (database versions not stated): gnomAD exomes 0.88898; TOPMed 0.91611; gnomAD 0.91650 and 0.91773; 1000 Genomes Project 30x 0.95003; 1000 Genomes Project 0.95327.
gnomAD v4.1: 1,419,841 of 1,591,912 alleles (89%); highest among the groups gnomAD compares: East Asian, 100%; 634,285 homozygotes.

Submissions (3):

Genome-Nilou Lab
Classification: Benign for Ornithine aminotransferase deficiency. Last evaluated: 2021-07-10. Review status: criteria provided, single submitter. Criteria: ACMG Guidelines, 2015. Collection method: clinical testing. Allele origin: germline. Affected: no.

GeneDx
Classification: Benign. Last evaluated: 2018-06-19. Review status: criteria provided, single submitter. Criteria: GeneDx Variant Classification (06012015). Collection method: clinical testing. Allele origin: germline. Affected: yes.
Comment: This variant is considered likely benign or benign based on one or more of the following criteria: it is a conservative change, it occurs at a poorly conserved position in the protein, it is predicted to be benign by multiple in silico algorithms, and/or has population frequency not consistent with disease.

Breakthrough Genomics
Classification: Benign. Review status: criteria provided, single submitter. Criteria: ACMG Guidelines, 2015. Collection method: not provided. Allele origin: germline. Inheritance: Autosomal recessive inheritance. Affected: yes.